The following is an entry in ClinVar:

ClinVar aggregate classification (germline): Uncertain significance (1 of 4 stars; one submission).

Submission:

Labcorp Genetics (formerly Invitae), Labcorp
Classification: Uncertain significance. Last evaluated: 2023-02-26. Review status: criteria provided, single submitter. Criteria: Invitae Variant Classification Sherloc (09022015). Collection method: clinical testing. Allele origin: germline.
Comment: In summary, the available evidence is currently insufficient to determine the role of this variant in disease. Therefore, it has been classified as a Variant of Uncertain Significance. Advanced modeling of protein sequence and biophysical properties (such as structural, functional, and spatial information, amino acid conservation, physicochemical variation, residue mobility, and thermodynamic stability) performed at Invitae indicates that this missense variant is not expected to disrupt COL9A3 protein function. This variant has not been reported in the literature in individuals affected with COL9A3-related conditions. This variant is not present in population databases (gnomAD no frequency). This sequence change replaces proline, which is neutral and non-polar, with arginine, which is basic and polar, at codon 166 of the COL9A3 protein (p.Pro166Arg).

NM_001853.4(COL9A3):c.497C>G (p.Pro166Arg)

Gene: COL9A3 (collagen type IX alpha 3 chain; plus strand). Cytogenetic location: 20q13.33.
Variant type: single nucleotide variant.
Coding change: c.497C>G on transcript NM_001853.4 (MANE Select); coding-DNA position 497, C replaced by G.
Protein change: p.Pro166Arg; replaces proline 166 with arginine.
Molecular consequence: missense variant.
Genome position (GRCh38, 1-based): chr20:62,822,610, C>G. VCF-style: chr20-62822610-C-G. GRCh37 (hg19) VCF-style: chr20-61453962-C-G.
Other names: short protein forms P166R.
Identifiers: ClinVar variation 2841155 (VCV002841155.3), dbSNP rs2516032309, ClinGen allele CA409589644.